The following is an entry in ClinVar:

ClinVar aggregate classification (germline): Pathogenic (1 of 4 stars; one submission).

Conditions:
Galactosylceramide beta-galactosidase deficiency. Also called: Leukodystrophy, Globoid Cell; GALACTOCEREBROSIDASE DEFICIENCY; GALC DEFICIENCY; GLOBOID CELL LEUKOENCEPHALOPATHY; Krabbe Disease. Identifiers: Orphanet 487, MedGen C0023521, MONDO:0009499, OMIM 245200.

Submission:

Labcorp Genetics (formerly Invitae), Labcorp
Classification: Pathogenic for Galactosylceramide beta-galactosidase deficiency. Last evaluated: 2020-11-10. Review status: criteria provided, single submitter. Criteria: Invitae Variant Classification Sherloc (09022015). Collection method: clinical testing. Allele origin: germline.
Comment: This sequence change creates a premature translational stop signal (p.Trp10*) in the GALC gene. It is expected to result in an absent or disrupted protein product. Loss-of-function variants in GALC are known to be pathogenic (PMID: 7437911, 9272171, 16607461). The frequency data for this variant in the population databases is considered unreliable, as metrics indicate insufficient coverage at this position in the ExAC database. This variant has not been reported in the literature in individuals with GALC-related conditions. Algorithms developed to predict the effect of sequence changes on RNA splicing suggest that this variant may create or strengthen a splice site, but this prediction has not been confirmed by published transcriptional studies. For these reasons, this variant has been classified as Pathogenic.

Literature cited by the submitters: PubMed 7437911; PubMed 9272171; PubMed 16607461.

NM_000153.4(GALC):c.29G>A (p.Trp10Ter)

Gene: GALC (galactosylceramidase; minus strand). Cytogenetic location: 14q31.3.
Variant type: single nucleotide variant.
Coding change: c.29G>A on transcript NM_000153.4 (MANE Select); coding-DNA position 29, G replaced by A.
Protein change: p.Trp10Ter; replaces tryptophan 10 with a stop codon.
Molecular consequence: nonsense. On other transcripts: intron variant (1).
Genome position (GRCh38, 1-based): chr14:87,993,136, C>T on the plus strand (G>A on the coding strand, the complement: GALC is on the minus strand). VCF-style: chr14-87993136-C-T. GRCh37 (hg19) VCF-style: chr14-88459480-C-T.
Other names: c.29G>A, p.Trp10Ter (NM_001201401.2); c.117+247G>A (NM_001201402.2); short protein forms W10*.
Identifiers: ClinVar variation 1424701 (VCV001424701.6), dbSNP rs2139769937, ClinGen allele CA390772079.
Genomic context (GRCh38, chr14:87,993,136, plus strand): 5'-GGCACCGCGGCGCGGCCCGCCGAACCCGCGGCCGCAGTCATAGCTTTCGCTCGGCGTTGC[C>T]AGGAAGCCGAGAGTAGCCACTCAGCCATTGTGTGGGTCACATGACTCCGGCGCCCAGGGA-3'